The following is an entry in ClinVar:

ClinVar aggregate classification (germline): Uncertain significance. Review status: criteria provided, multiple submitters, no conflicts (2 of 4 stars). 4 submissions from 4 submitters: Uncertain significance (4). Last evaluated 2025-10-07.

Conditions:
ABCG5-related disorder. Also called: ABCG5-related condition.
Sitosterolemia (STSL). Also called: PHYTOSTEROLEMIA. Identifiers: Orphanet 2882, MedGen C0342907, MONDO:0008863.
Sitosterolemia 2. Identifiers: MedGen C5231453, MONDO:0020748, OMIM 618666.

Allele frequency attached by ClinVar (database versions not stated): gnomAD 0.00003 and 0.00004; ExAC 0.00007; gnomAD exomes 0.00007 and 0.00011; ESP Exome Variant Server 0.00008; TOPMed 0.00008.
gnomAD v4.1: 160 of 1,613,906 alleles (0.0099%); highest among the groups gnomAD compares: Middle Eastern, 0.033%; no homozygotes.

Submissions (4):

PreventionGenetics, part of Exact Sciences
Classification: Uncertain significance for ABCG5-related condition. Last evaluated: 2025-10-07. Review status: criteria provided, single submitter. Criteria: ACMG Guidelines, 2015. Collection method: clinical testing. Allele origin: germline.
Comment: The ABCG5 c.238C>A variant is predicted to result in the amino acid substitution p.Gln80Lys. This variant has been reported in a large dyslipidemia cohort (Table S4, Dron et al 2020. PubMed ID: 32041611) and in another individual with familial hypercholesterolemia (Table S4, Reeskamp et al. 2020. PubMed ID: 32088153). This variant is reported in 0.015% of alleles in individuals of European (non-Finnish) descent in gnomAD. At this time, the clinical significance of this variant is uncertain due to the absence of conclusive functional and genetic evidence.

Labcorp Genetics (formerly Invitae), Labcorp
Classification: Uncertain significance for Sitosterolemia. Last evaluated: 2025-09-23. Review status: criteria provided, single submitter. Criteria: Invitae Variant Classification Sherloc (09022015). Collection method: clinical testing. Allele origin: germline.
Comment: This sequence change replaces glutamine, which is neutral and polar, with lysine, which is basic and polar, at codon 80 of the ABCG5 protein (p.Gln80Lys). This variant is present in population databases (rs373819340, gnomAD 0.01%). This missense change has been observed in individual(s) with dyslipidemia and/or familial hypercholesterolemia (PMID: 32041611, 32088153). ClinVar contains an entry for this variant (Variation ID: 1353613). An algorithm developed to predict the effect of missense changes on protein structure and function (PolyPhen-2) suggests that this variant is likely to be disruptive. In summary, the available evidence is currently insufficient to determine the role of this variant in disease. Therefore, it has been classified as a Variant of Uncertain Significance.

Revvity Omics, Revvity
Classification: Uncertain significance for Sitosterolemia 2. Last evaluated: 2023-08-01. Review status: criteria provided, single submitter. Criteria: ACMG Guidelines, 2015. Collection method: clinical testing. Allele origin: germline.

Mayo Clinic Laboratories, Mayo Clinic
Classification: Uncertain significance. Last evaluated: 2021-12-28. Review status: criteria provided, single submitter. Criteria: ACMG Guidelines, 2015. Collection method: clinical testing. Allele origin: germline.

Literature cited by the submitters: PubMed 32041611 (cited by Labcorp Genetics (formerly Invitae), Labcorp); PubMed 32088153 (cited by Labcorp Genetics (formerly Invitae), Labcorp).

NM_022436.3(ABCG5):c.238C>A (p.Gln80Lys)

Gene: ABCG5 (ATP binding cassette subfamily G member 5; minus strand). Cytogenetic location: 2p21.
Variant type: single nucleotide variant.
Coding change: c.238C>A on transcript NM_022436.3 (MANE Select); coding-DNA position 238, C replaced by A.
Protein change: p.Gln80Lys; replaces glutamine 80 with lysine.
Molecular consequence: missense variant.
Genome position (GRCh38, 1-based): chr2:43,837,861, G>T on the plus strand (C>A on the coding strand, the complement: ABCG5 is on the minus strand). VCF-style: chr2-43837861-G-T. GRCh37 (hg19) VCF-style: chr2-44065000-G-T.
Other names: p.Gln80Lys; short protein forms Q80K.
Identifiers: ClinVar variation 1353613 (VCV001353613.11), dbSNP rs373819340, ClinGen allele CA1636739.